The following is an entry in ClinVar:

ClinVar aggregate classification (germline): Pathogenic (1 of 4 stars; one submission).

Conditions:
Sandhoff disease. Also called: GM2-GANGLIOSIDOSIS, TYPE II; HEXOSAMINIDASES A AND B DEFICIENCY; Beta-hexosaminidase-beta-subunit deficiency; GM2 gangliosidosis, type 2; Total hexosaminidase deficiency; Sandhoff-Jatzkewitz-Pilz disease. Identifiers: Orphanet 796, MedGen C0036161, MONDO:0010006, OMIM 268800.

Submission:

Labcorp Genetics (formerly Invitae), Labcorp
Classification: Pathogenic for Sandhoff disease. Last evaluated: 2021-05-29. Review status: criteria provided, single submitter. Criteria: Invitae Variant Classification Sherloc (09022015). Collection method: clinical testing. Allele origin: germline.
Comment: This variant has not been reported in the literature in individuals with HEXB-related conditions. For these reasons, this variant has been classified as Pathogenic. This sequence change creates a premature translational stop signal (p.Glu342Argfs*30) in the HEXB gene. It is expected to result in an absent or disrupted protein product. Loss-of-function variants in HEXB are known to be pathogenic (PMID: 7550345, 18758829). This variant is not present in population databases (ExAC no frequency).

Literature cited by the submitters: PubMed 7550345; PubMed 18758829.

NM_000521.4(HEXB):c.1024del (p.Glu342fs)

Gene: HEXB (hexosaminidase subunit beta; plus strand). Cytogenetic location: 5q13.3.
Variant type: Deletion.
Coding change: c.1024del on transcript NM_000521.4 (MANE Select); coding-DNA position 1024, one base deleted (G; older notation c.1024delG).
Protein change: p.Glu342fs; shifts the reading frame from glutamic acid 342.
Molecular consequence: frameshift variant.
Genome position (GRCh38, 1-based): chr5:74,715,632, G deleted. VCF-style (leftmost placement, unchanged base first): chr5-74715631-TG-T. GRCh37 (hg19) VCF-style: chr5-74011456-TG-T.
Other names: c.349del, p.Glu117fs (NM_001292004.2); short protein forms E342fs, E117fs.
Identifiers: ClinVar variation 1454030 (VCV001454030.6), dbSNP rs2112175228, ClinGen allele CA2573139793.